The following is an entry in ClinVar:

NM_014633.5(CTR9):c.3446A>G (p.Asn1149Ser)

Gene: CTR9 (CTR9 component of Paf1/RNA polymerase II complex; plus strand). Cytogenetic location: 11p15.4.
Variant type: single nucleotide variant.
Coding change: c.3446A>G on transcript NM_014633.5 (MANE Select); coding-DNA position 3446, A replaced by G.
Protein change: p.Asn1149Ser; replaces asparagine 1149 with serine.
Molecular consequence: missense variant.
Genome position (GRCh38, 1-based): chr11:10,779,029, A>G. VCF-style: chr11-10779029-A-G. GRCh37 (hg19) VCF-style: chr11-10800576-A-G.
Other names: c.3374A>G, p.Asn1125Ser (NM_001346279.2); short protein forms N1149S, N1125S.
Identifiers: ClinVar variation 2905270 (VCV002905270.3), dbSNP rs750112805, ClinGen allele CA5885590.

ClinVar aggregate classification (germline): Uncertain significance (1 of 4 stars; one submission).

gnomAD v4.1: 6 of 1,614,208 alleles (0.00037%); highest among the groups gnomAD compares: Non-Finnish European, 0.00042%; no homozygotes.

Submission:

Labcorp Genetics (formerly Invitae), Labcorp
Classification: Uncertain significance. Last evaluated: 2022-10-30. Review status: criteria provided, single submitter. Criteria: Invitae Variant Classification Sherloc (09022015). Collection method: clinical testing. Allele origin: germline.
Comment: This sequence change replaces asparagine, which is neutral and polar, with serine, which is neutral and polar, at codon 1149 of the CTR9 protein (p.Asn1149Ser). This variant is present in population databases (rs750112805, gnomAD 0.0009%). This variant has not been reported in the literature in individuals affected with CTR9-related conditions. Algorithms developed to predict the effect of missense changes on protein structure and function (SIFT, PolyPhen-2, Align-GVGD) all suggest that this variant is likely to be tolerated. In summary, the available evidence is currently insufficient to determine the role of this variant in disease. Therefore, it has been classified as a Variant of Uncertain Significance.